The following is an entry in ClinVar:

ClinVar aggregate classification (germline): Pathogenic (1 of 4 stars; one submission).

Conditions:
Myasthenic syndrome, congenital, 22 (CMS22). Also called: PREPL DEFICIENCY. Identifiers: MedGen C4479088, MONDO:0044299, OMIM 616224.

Submission:

Labcorp Genetics (formerly Invitae), Labcorp
Classification: Pathogenic for Myasthenic syndrome, congenital, 22. Last evaluated: 2023-01-14. Review status: criteria provided, single submitter. Criteria: Invitae Variant Classification Sherloc (09022015). Collection method: clinical testing. Allele origin: unknown.
Comment: This variant has not been reported in the literature in individuals affected with PREPL-related conditions. For these reasons, this variant has been classified as Pathogenic. This variant disrupts a region of the PREPL protein in which other variant(s) (p.Lys698Asn) have been determined to be pathogenic (PMID: 32707643). This suggests that this is a clinically significant region of the protein, and that variants that disrupt it are likely to be disease-causing. Experimental studies and prediction algorithms are not available or were not evaluated, and the functional significance of this variant is currently unknown. This variant is a gross deletion of the genomic region encompassing exon(s) 3-14 of the PREPL gene, which includes the termination codon. This deletion extends beyond the assayed region for this gene and therefore may encompass additional genes. If SLC3A1 has been tested and no copy number events are reported for it, then the 3' boundary of this event lies between the PREPL and SLC3A1 genes. This deletion is expected to alter mRNA translation or to result in a truncated or absent protein product.

Literature cited by the submitters: PubMed 32707643.

NC_000002.11:g.(?_44548495)_(44571745_?)del

Gene: PREPL (prolyl endopeptidase like; minus strand). Cytogenetic location: 2p21.
Variant type: Deletion.
Identifiers: ClinVar variation 3247432 (VCV003247432.1).